The following is an entry in ClinVar:

NM_006245.4(PPP2R5D):c.803A>G (p.Lys268Arg)

Gene: PPP2R5D (protein phosphatase 2 regulatory subunit B'delta; plus strand). Cytogenetic location: 6p21.1.
Variant type: single nucleotide variant.
Coding change: c.803A>G on transcript NM_006245.4 (MANE Select); coding-DNA position 803, A replaced by G.
Protein change: p.Lys268Arg; replaces lysine 268 with arginine.
Molecular consequence: missense variant.
Genome position (GRCh38, 1-based): chr6:43,008,011, A>G. VCF-style: chr6-43008011-A-G. GRCh37 (hg19) VCF-style: chr6-42975749-A-G.
Other names: c.350A>G, p.Lys117Arg (NM_001270476.2); c.707A>G, p.Lys236Arg (NM_180976.3); c.485A>G, p.Lys162Arg (NM_180977.3); short protein forms K236R, K268R, K162R, K117R.
Identifiers: ClinVar variation 4725428 (VCV004725428.1).
Genomic context (GRCh38, chr6:43,008,011, plus strand): 5'-ACAGTGAGGATCCTCGAGAGCGGGACTTCCTCAAGACCATTTTGCATCGCATCTATGGCA[A>G]GTTTTTGGGGCTCCGGGCTTATATCCGTAGGCAGATCAACCACATCTTCTACAGGTGAGG-3'
Protein context (NP_006236.1, residues 258-278): LKTILHRIYG[Lys268Arg]FLGLRAYIRR

ClinVar aggregate classification (germline): Uncertain significance (1 of 4 stars; one submission).

Submission:

Labcorp Genetics (formerly Invitae), Labcorp
Classification: Uncertain significance. Last evaluated: 2025-08-14. Review status: criteria provided, single submitter. Criteria: Invitae Variant Classification Sherloc (09022015). Collection method: clinical testing. Allele origin: germline.
Comment: This sequence change replaces lysine, which is basic and polar, with arginine, which is basic and polar, at codon 268 of the PPP2R5D protein (p.Lys268Arg). This variant is not present in population databases (gnomAD no frequency). This variant has not been reported in the literature in individuals affected with PPP2R5D-related conditions. An algorithm developed to predict the effect of missense changes on protein structure and function (PolyPhen-2) suggests that this variant is likely to be disruptive. In summary, the available evidence is currently insufficient to determine the role of this variant in disease. Therefore, it has been classified as a Variant of Uncertain Significance.